The following is an entry in ClinVar:

NM_000141.5(FGFR2):c.943G>A (p.Ala315Thr)

Gene: FGFR2 (fibroblast growth factor receptor 2; minus strand). Cytogenetic location: 10q26.13.
Variant type: single nucleotide variant.
Coding change: c.943G>A on transcript NM_000141.5 (MANE Select); coding-DNA position 943, G replaced by A.
Protein change: p.Ala315Thr; replaces alanine 315 with threonine.
Molecular consequence: missense variant. On other transcripts: non-coding transcript variant (1), intron variant (5).
Genome position (GRCh38, 1-based): chr10:121,517,460, C>T on the plus strand (G>A on the coding strand, the complement: FGFR2 is on the minus strand). VCF-style: chr10-121517460-C-T. GRCh37 (hg19) VCF-style: chr10-123276974-C-T.
Other names: c.943G>A, p.Ala315Thr (NM_001320658.2); c.676G>A, p.Ala226Thr (NM_023029.3, NM_001144915.2); c.749-2141G>A (NM_001144914.1); c.939+2519G>A (NM_001144917.2); c.1087+1222G>A (NM_022970.4, NM_001144913.1); c.820+1222G>A (NM_001144919.2); c.598G>A, p.Ala200Thr (NM_001144916.2, NM_001144918.2); c.259G>A, p.Ala87Thr (NM_001320654.2); short protein forms A200T, A226T, A315T, A87T.
Identifiers: ClinVar variation 3064171 (VCV003064171.4), dbSNP rs121918504, ClinGen allele CA5720886.
Genomic context (GRCh38, chr10:121,517,460, plus strand): 5'-CAAAAGTTACATTCCGAATATAGAGAACCTCAATCTCTTTGTCCGTGGTGTTAACACCGG[C>T]GGCCTAGAAAACAAGGGAAGCAAAAGAAAAGGCTAGACGACACAGGAATGATTGTGGAGG-3'
Protein context (NP_000132.3, residues 305-325): GLPYLKVLKA[Ala315Thr]GVNTTDKEIE

ClinVar aggregate classification (germline): Conflicting classifications of pathogenicity. Review status: criteria provided, conflicting classifications (1 of 4 stars). 3 submissions from 3 submitters: Uncertain significance (1); Likely benign (2). Last evaluated 2024-06-21.

Conditions:
LADD syndrome 1 (LADD1). Also called: Lacrimoauriculodentodigital syndrome 1. Identifiers: MedGen C5774323, MONDO:0100302, OMIM 149730.
Crouzon syndrome. Also called: CRANIOFACIAL DYSOSTOSIS, TYPE I; Craniofacial dysostosis; Craniofacial dysostosis type 1; Crouzon craniofacial dysostosis; Crouzon disease. Identifiers: Orphanet 207, MedGen C0010273, MeSH D003394, MONDO:0007405, OMIM 123500, HP:0004439.
Familial scaphocephaly syndrome, McGillivray type. Also called: SCAPHOCEPHALY, MAXILLARY RETRUSION, AND IMPAIRED INTELLECTUAL DEVELOPMENT. Identifiers: Orphanet 168624, MedGen C1865070, MONDO:0012307, OMIM 609579.
Gastric cancer. Also called: Stomach cancer; Malignant tumor of stomach. Identifiers: MedGen C0024623, MeSH D013274, MONDO:0001056, OMIM 613659, HP:0012126.
Pfeiffer syndrome (ACS5). Also called: ACS V. Identifiers: Orphanet 710, MedGen C0220658, MONDO:0007043, OMIM 101600.
Acrocephalosyndactyly type I (ACS1). Also called: Apert syndrome; Acrocephalo-syndactyly type 1; ACS 1; Syndactylic oxycephaly. Identifiers: Orphanet 87, MedGen C0001193, MONDO:0007041, OMIM 101200.
Beare-Stevenson cutis gyrata syndrome (BSTVS). Identifiers: Orphanet 1555, MedGen C1852406, MONDO:0007412, OMIM 123790.
Antley-Bixler syndrome without genital anomalies or disordered steroidogenesis (ABS2). Also called: MULTISYNOSTOTIC OSTEODYSGENESIS WITH LONG BONE FRACTURES; Antley-Bixler Syndrome, Autosomal Dominant; Trapezoidocephaly synostosis syndrome; Osteodysgenesis, multisynostotic with fractures. Identifiers: Orphanet 596008, Orphanet 83, MedGen C2936791, MONDO:0020667, OMIM 207410.
Saethre-Chotzen syndrome (SCS). Also called: ACROCEPHALY, SKULL ASYMMETRY, AND MILD SYNDACTYLY; ACS III; CHOTZEN SYNDROME. Identifiers: Orphanet 794, MedGen C0175699, MONDO:0007042, OMIM 101400.
Jackson-Weiss syndrome (JWS). Also called: CRANIOSYNOSTOSIS, MIDFACIAL HYPOPLASIA, AND FOOT ABNORMALITIES. Identifiers: Orphanet 1540, MedGen C0795998, MONDO:0007400, OMIM 123150. Disease mechanism: loss of function.
Bent bone dysplasia syndrome 1 (BBDS1). Also called: FGFR2-related bent bone dysplasia. Identifiers: Orphanet 313855, MedGen C3281247, MONDO:0013815, OMIM 614592.

Allele frequency attached by ClinVar (database versions not stated): ExAC 0.00001; gnomAD 0.00001.
gnomAD v4.1: 17 of 1,613,972 alleles (0.0011%); highest among the groups gnomAD compares: Middle Eastern, 0.016%; no homozygotes.

Submissions (3):

Fulgent Genetics
Classification: Likely benign for Acrocephalosyndactyly type I; Saethre-Chotzen syndrome; Pfeiffer syndrome; Jackson-Weiss syndrome; Crouzon syndrome; Beare-Stevenson cutis gyrata syndrome; LADD syndrome 1; Antley-Bixler syndrome without genital anomalies or disordered steroidogenesis; Familial scaphocephaly syndrome, McGillivray type; Gastric cancer; Bent bone dysplasia syndrome 1. Last evaluated: 2024-06-21. Review status: criteria provided, single submitter. Criteria: ACMG Guidelines, 2015. Collection method: clinical testing. Allele origin: germline.

GeneDx
Classification: Uncertain significance. Last evaluated: 2024-05-21. Review status: criteria provided, single submitter. Criteria: GeneDx Variant Classification Process June 2021. Collection method: clinical testing. Allele origin: germline. Affected: yes.
Comment: In silico analysis indicates that this missense variant does not alter protein structure/function; Has not been previously published as pathogenic or benign in association with an FGFR2-related disorder to our knowledge; This variant is associated with the following publications: (PMID: 34426522, 11781872, 29230096, 28600779)

Genomic Medicine Center of Excellence, King Faisal Specialist Hospital and Research Centre
Classification: Likely benign for Pfeiffer syndrome. Last evaluated: 2024-03-17. Review status: criteria provided, single submitter. Criteria: ACMG Guidelines, 2015. Collection method: research. Allele origin: germline.